The following is an entry in ClinVar:

NM_000475.5(NR0B1):c.1082T>G (p.Ile361Ser)

Gene: NR0B1 (nuclear receptor subfamily 0 group B member 1; minus strand). Cytogenetic location: Xp21.2.
Variant type: single nucleotide variant.
Coding change: c.1082T>G on transcript NM_000475.5 (MANE Select); coding-DNA position 1082, T replaced by G.
Protein change: p.Ile361Ser; replaces isoleucine 361 with serine.
Molecular consequence: missense variant.
Genome position (GRCh38, 1-based): chrX:30,308,282, A>C on the plus strand (T>G on the coding strand, the complement: NR0B1 is on the minus strand). VCF-style: chrX-30308282-A-C. GRCh37 (hg19) VCF-style: chrX-30326399-A-C.
Other names: p.Ile361Ser; short protein forms I361S.
Identifiers: ClinVar variation 2582295 (VCV002582295.2), dbSNP rs2519050857, ClinGen allele CA412546605.
Genomic context (GRCh38, chrX:30,308,282, plus strand): 5'-AGGTAGGCGTACTCCTTGGTACTGATGTTCAGACTCCAGCATTTGGAAAGAAAGCACTTG[A>C]TGGCTTGGACCTGGGAGGCGGAGGGCACCTTCCTGGCCTCCGCCGGCGGTGCCAAATGGT-3'
Protein context (NP_000466.2, residues 351-371): KVPSASQVQA[Ile361Ser]KCFLSKCWSL

ClinVar aggregate classification (germline): Uncertain significance (1 of 4 stars; one submission).

Conditions:
Congenital adrenal hypoplasia, X-linked (AHC). Also called: X-Linked Adrenal Hypoplasia Congenita; Isolated X-Linked Adrenal Hypoplasia Congenita; X-linked AHC; ADRENAL HYPOPLASIA, CONGENITAL, WITH HYPOGONADOTROPIC HYPOGONADISM. Identifiers: Orphanet 95702, MedGen C0342482, MONDO:0010264, OMIM 300200. Disease mechanism: loss of function.

Submission:

Foundation for Research in Genetics and Endocrinology, FRIGE's Institute of Human Genetics
Classification: Uncertain significance for Congenital adrenal hypoplasia, X-linked. Last evaluated: 2023-09-24. Review status: criteria provided, single submitter. Criteria: ACMG Guidelines, 2015. Collection method: clinical testing. Allele origin: germline. Inheritance: X-linked inheritance. Affected: yes. Observed: 1 hemizygote.
Comment: A hemizygous missense variant in exon 1 of the NR0B1 gene that results in the amino acid substitution of Serine for Isoleucine at codon 361 (p.Ile361Ser) was detected. This variant has not been reported in the 1000 genomes, gnomAD (v3.1), gnomAD (v2) and topmed databases. The in silico predictions of the variant are probably damaging by PolyPhen-2 (HumDiv) and damaging by SIFT, LRT, and MutationTaster2. The reference codon is conserved across species. In summary, the variant meets our criteria to be classified as variant of uncertain significance.